The following is an entry in ClinVar:

NM_025099.6(CTC1):c.2973T>C (p.Tyr991=)

Gene: CTC1 (CST telomere replication complex component 1; minus strand). Cytogenetic location: 17p13.1.
Variant type: single nucleotide variant.
Coding change: c.2973T>C on transcript NM_025099.6 (MANE Select); coding-DNA position 2973, T replaced by C.
Protein change: p.Tyr991=; no amino-acid change (tyrosine 991 retained).
Molecular consequence: synonymous variant. On other transcripts: non-coding transcript variant (1).
Genome position (GRCh38, 1-based): chr17:8,229,929, A>G on the plus strand (T>C on the coding strand, the complement: CTC1 is on the minus strand). VCF-style: chr17-8229929-A-G. GRCh37 (hg19) VCF-style: chr17-8133247-A-G.
Other names: p.Tyr991=.
Identifiers: ClinVar variation 412528 (VCV000412528.23), dbSNP rs62637613, ClinGen allele CA8371927.

ClinVar aggregate classification (germline): Benign/Likely benign. Review status: criteria provided, multiple submitters, no conflicts (2 of 4 stars). 8 submissions from 8 submitters: Benign (5); Likely benign (3). Last evaluated 2026-01-28.

Conditions:
Dyskeratosis congenita. Identifiers: Orphanet 1775, MedGen C0265965, MONDO:0015780.
Cerebroretinal microangiopathy with calcifications and cysts 1 (CRMCC1). Identifiers: Orphanet 313838, MedGen C4552029, MONDO:0024564, OMIM 612199.

Allele frequency attached by ClinVar (database versions not stated): gnomAD exomes 0.00240; ExAC 0.00285; gnomAD 0.00896 and 0.00946; 1000 Genomes Project 0.00899; 1000 Genomes Project 30x 0.00906; ESP Exome Variant Server 0.01030; TOPMed 0.01060.
gnomAD v4.1: 2,830 of 1,614,158 alleles (0.18%); highest among the groups gnomAD compares: African/African-American, 3%; 33 homozygotes.

Submissions (8):

Labcorp Genetics (formerly Invitae), Labcorp
Classification: Benign for Dyskeratosis congenita. Last evaluated: 2026-01-28. Review status: criteria provided, single submitter. Criteria: Invitae Variant Classification Sherloc (09022015). Collection method: clinical testing. Allele origin: germline.

ARUP Laboratories, Molecular Genetics and Genomics, ARUP Laboratories
Classification: Benign for Cerebroretinal microangiopathy with calcifications and cysts 1. Last evaluated: 2024-02-05. Review status: criteria provided, single submitter. Criteria: ARUP Molecular Germline Variant Investigation Process 2024. Collection method: clinical testing. Allele origin: germline.

Mayo Clinic Laboratories, Mayo Clinic
Classification: Benign. Last evaluated: 2023-02-10. Review status: criteria provided, single submitter. Criteria: ACMG Guidelines, 2015. Collection method: clinical testing. Allele origin: germline. Observed: 9 variant alleles.
Comment: BS1, BS2, BP4, BP7

Genome-Nilou Lab
Classification: Benign for Cerebroretinal microangiopathy with calcifications and cysts 1. Last evaluated: 2021-07-15. Review status: criteria provided, single submitter. Criteria: ACMG Guidelines, 2015. Collection method: clinical testing. Allele origin: germline. Affected: no.

GeneDx
Classification: Likely benign. Last evaluated: 2021-04-08. Review status: criteria provided, single submitter. Criteria: GeneDx Variant Classification Process June 2021. Collection method: clinical testing. Allele origin: germline. Affected: yes.

Johns Hopkins Genomics, Johns Hopkins University
Classification: Likely benign for Cerebroretinal microangiopathy with calcifications and cysts 1. Last evaluated: 2019-02-13. Review status: criteria provided, single submitter. Criteria: ACMG Guidelines, 2015. Collection method: clinical testing. Allele origin: germline.

Illumina Laboratory Services, Illumina
Classification: Benign for Dyskeratosis congenita. Last evaluated: 2018-01-13. Review status: criteria provided, single submitter. Criteria: ICSL Variant Classification Criteria 13 December 2019. Collection method: clinical testing. Allele origin: germline.
Comment: This variant was observed in the ICSL laboratory as part of a predisposition screen in an ostensibly healthy population. It had not been previously curated by ICSL or reported in the Human Gene Mutation Database (HGMD: prior to June 1st, 2018), and was therefore a candidate for classification through an automated scoring system. Utilizing variant allele frequency, disease prevalence and penetrance estimates, and inheritance mode, an automated score was calculated to assess if this variant is too frequent to cause the disease. Based on the score and internal cut-off values, a variant classified as benign is not then subjected to further curation. The score for this variant resulted in a classification of benign for this disease.

Breakthrough Genomics
Classification: Likely benign. Review status: criteria provided, single submitter. Criteria: ACMG Guidelines, 2015. Collection method: not provided. Allele origin: germline. Inheritance: Autosomal recessive inheritance. Affected: yes.